The following is an entry in ClinVar:

ClinVar aggregate classification (germline): Likely benign (1 of 4 stars; one submission).

Conditions:
ATG4A-related condition.

Submission:

PreventionGenetics, part of Exact Sciences
Classification: Likely benign for ATG4A-related condition. Last evaluated: 2026-09-16. Review status: criteria provided, single submitter. Criteria: ACMG Guidelines, 2015. Collection method: clinical testing. Allele origin: germline.
Comment: This variant is classified as likely benign based on ACMG/AMP sequence variant interpretation guidelines (Richards et al. 2015 PMID: 25741868, with internal and published modifications).

NM_052936.5(ATG4A):c.467+9_467+10del

Gene: ATG4A (autophagy related 4A cysteine peptidase; plus strand). Cytogenetic location: Xq22.3.
Variant type: Deletion.
Coding change: c.467+9_467+10del on transcript NM_052936.5 (MANE Select); bases 9 to 10 of the intron after coding-DNA position 467, 2 bases deleted (AA; older notation c.467+9_467+10delAA).
Molecular consequence: intron variant.
Genome position (GRCh38, 1-based): chrX:108,134,420-108,134,421, AA deleted; deleting any 2 consecutive bases within chrX:108,134,418-108,134,421 gives the same sequence; the c. name uses the placement nearest the transcript's 3' end. VCF-style (leftmost placement, unchanged base first): chrX-108134417-TAA-T. GRCh37 (hg19) VCF-style: chrX-107377647-TAA-T.
Other names: c.236+9_236+10del (NM_001321287.2, NM_001321288.2, NM_178271.3 and 1 more transcripts); c.-50+5_-50+6del (NM_001321290.2); c.467+9_467+10del (NM_178270.4).
Identifiers: ClinVar variation 4977868 (VCV004977868.1).